The following is an entry in ClinVar:

ClinVar aggregate classification (germline): Pathogenic (1 of 4 stars; one submission).

Conditions:
Familial hemophagocytic lymphohistiocytosis 3 (FHL3). Also called: UNC13D-Related Familial Hemophagocytic Lymphohistiocytosis (UNC13D-fHLH). Identifiers: Orphanet 540, MedGen C1837174, MONDO:0012146, OMIM 608898.

Submission:

Labcorp Genetics (formerly Invitae), Labcorp
Classification: Pathogenic for Familial hemophagocytic lymphohistiocytosis 3. Last evaluated: 2024-12-15. Review status: criteria provided, single submitter. Criteria: Invitae Variant Classification Sherloc (09022015). Collection method: clinical testing. Allele origin: germline.
Comment: This sequence change affects a splice site in intron 18 of the UNC13D gene. It is expected to disrupt RNA splicing. Variants that disrupt the donor or acceptor splice site typically lead to a loss of protein function (PMID: 16199547), and loss-of-function variants in UNC13D are known to be pathogenic (PMID: 14622600). This variant is not present in population databases (gnomAD no frequency). Disruption of this splice site has been observed in individual(s) with haemophagocytic lymphohistiocytosis (PMID: 15466010, 16365863, 21674762). In at least one individual the data is consistent with being in trans (on the opposite chromosome) from a pathogenic variant. ClinVar contains an entry for this variant (Variation ID: 2736662). Algorithms developed to predict the effect of sequence changes on RNA splicing suggest that this variant may disrupt the consensus splice site. For these reasons, this variant has been classified as Pathogenic.

Literature cited by the submitters: PubMed 16199547; PubMed 14622600; PubMed 15466010; PubMed 16365863; PubMed 21674762.

NM_199242.3(UNC13D):c.1596+1del

Gene: UNC13D (unc-13 homolog D; minus strand). Cytogenetic location: 17q25.1.
Variant type: Deletion.
Coding change: c.1596+1del on transcript NM_199242.3 (MANE Select); the canonical splice donor site of the intron after coding-DNA position 1596, one base deleted (G; older notation c.1596+1delG).
Molecular consequence: splice donor variant.
Genome position (GRCh38, 1-based): chr17:75,835,854, C deleted on the plus strand (G on the coding strand, the reverse complement: UNC13D is on the minus strand); the first of 2 consecutive C bases (chr17:75,835,854-75,835,855); deleting either gives the same sequence. VCF-style (leftmost placement, unchanged base first): chr17-75835853-AC-A. GRCh37 (hg19) VCF-style: chr17-73831934-AC-A.
Identifiers: ClinVar variation 2736662 (VCV002736662.3), dbSNP rs2545981838, ClinGen allele CA2576393056.
Genomic context (GRCh38, chr17:75,835,853, plus strand): 5'-GTGGAGGGCGGGGCCCACAGCTCTGTTGGAGGGCATGCCCTAGAGACGGGGGAGGGACTC[AC>A]CAGCCACTGCAGCTCCCGGAAAGCCATGGAGAAGAGGTGGATCTTGAGGGTACTGGAGGA-3'